The following is an entry in ClinVar:

NM_001367823.1(ARHGEF18):c.4057G>A (p.Ala1353Thr)

Gene: ARHGEF18 (Rho/Rac guanine nucleotide exchange factor 18; plus strand). Cytogenetic location: 19p13.2.
Variant type: single nucleotide variant.
Coding change: c.4057G>A on transcript NM_001367823.1 (MANE Select); coding-DNA position 4057, G replaced by A.
Protein change: p.Ala1353Thr; replaces alanine 1353 with threonine.
Molecular consequence: missense variant.
Genome position (GRCh38, 1-based): chr19:7,470,269, G>A. VCF-style: chr19-7470269-G-A. GRCh37 (hg19) VCF-style: chr19-7535155-G-A.
Other names: c.3331G>A, p.Ala1111Thr (NM_001130955.2); c.3019G>A, p.Ala1007Thr (NM_001367824.1, NM_015318.4); c.3493G>A (NM_001130955.1); short protein forms A1007T, A1111T, A1353T.
Identifiers: ClinVar variation 1055257 (VCV001055257.11), dbSNP rs779578688, ClinGen allele CA9137353.

ClinVar aggregate classification (germline): Uncertain significance. Review status: criteria provided, multiple submitters, no conflicts (2 of 4 stars). 3 submissions from 3 submitters: Uncertain significance (3). Last evaluated 2025-04-12.

Conditions:
Inborn genetic diseases. Identifiers: MedGen C0950123, MeSH D030342.

Allele frequency attached by ClinVar (database versions not stated): gnomAD 0.00001 and 0.00002; TOPMed 0.00001; ExAC 0.00002.
gnomAD v4.1: 14 of 1,557,606 alleles (0.0009%); highest among the groups gnomAD compares: South Asian, 0.007%; no homozygotes.

Submissions (3):

Ambry Genetics
Classification: Uncertain significance for Inborn genetic diseases. Last evaluated: 2025-04-12. Review status: criteria provided, single submitter. Criteria: Ambry Variant Classification Scheme 2023. Collection method: clinical testing. Allele origin: germline.

Labcorp Genetics (formerly Invitae), Labcorp
Classification: Uncertain significance. Last evaluated: 2023-02-20. Review status: criteria provided, single submitter. Criteria: Invitae Variant Classification Sherloc (09022015). Collection method: clinical testing. Allele origin: germline.
Comment: In summary, the available evidence is currently insufficient to determine the role of this variant in disease. Therefore, it has been classified as a Variant of Uncertain Significance. Algorithms developed to predict the effect of missense changes on protein structure and function output the following: SIFT: "Not Available"; PolyPhen-2: "Benign"; Align-GVGD: "Not Available". The threonine amino acid residue is found in multiple mammalian species, which suggests that this missense change does not adversely affect protein function. ClinVar contains an entry for this variant (Variation ID: 1055257). This variant has not been reported in the literature in individuals affected with ARHGEF18-related conditions. The frequency data for this variant in the population databases is considered unreliable, as metrics indicate poor data quality at this position in the gnomAD database. This sequence change replaces alanine, which is neutral and non-polar, with threonine, which is neutral and polar, at codon 1165 of the ARHGEF18 protein (p.Ala1165Thr).

Blueprint Genetics
Classification: Uncertain significance. Last evaluated: 2019-03-18. Review status: criteria provided, single submitter. Criteria: ACMG Guidelines, 2015. Collection method: clinical testing. Allele origin: germline.